The following is an entry in ClinVar:

ClinVar aggregate classification (germline): Uncertain significance (1 of 4 stars; one submission).

Conditions:
Spastic paraplegia. Identifiers: MedGen C0037772, HP:0001258.

Allele frequency attached by ClinVar (database versions not stated): gnomAD exomes below 0.00001.
gnomAD v4.1: 2 of 1,613,166 alleles (0.00012%); highest among the groups gnomAD compares: Non-Finnish European, 0.00017%; no homozygotes.

Submission:

Labcorp Genetics (formerly Invitae), Labcorp
Classification: Uncertain significance for Spastic paraplegia. Last evaluated: 2019-08-27. Review status: criteria provided, single submitter. Criteria: Invitae Variant Classification Sherloc (09022015). Collection method: clinical testing. Allele origin: germline.
Comment: In summary, the available evidence is currently insufficient to determine the role of this variant in disease. Therefore, it has been classified as a Variant of Uncertain Significance. Algorithms developed to predict the effect of missense changes on protein structure and function are either unavailable or do not agree on the potential impact of this missense change (SIFT: "Deleterious"; PolyPhen-2: "Benign"; Align-GVGD: "Class C55"). This variant has not been reported in the literature in individuals with SLC33A1-related conditions. This variant is not present in population databases (ExAC no frequency). This sequence change replaces alanine with threonine at codon 434 of the SLC33A1 protein (p.Ala434Thr). The alanine residue is highly conserved and there is a small physicochemical difference between alanine and threonine.

NM_004733.4(SLC33A1):c.1300G>A (p.Ala434Thr)

Gene: SLC33A1 (solute carrier family 33 member 1; minus strand). Cytogenetic location: 3q25.31.
Variant type: single nucleotide variant.
Coding change: c.1300G>A on transcript NM_004733.4 (MANE Select); coding-DNA position 1300, G replaced by A.
Protein change: p.Ala434Thr; replaces alanine 434 with threonine.
Molecular consequence: missense variant.
Genome position (GRCh38, 1-based): chr3:155,829,870, C>T on the plus strand (G>A on the coding strand, the complement: SLC33A1 is on the minus strand). VCF-style: chr3-155829870-C-T. GRCh37 (hg19) VCF-style: chr3-155547659-C-T.
Other names: c.1300G>A, p.Ala434Thr (NM_001190992.2); c.994G>A, p.Ala332Thr (NM_001363883.1); short protein forms A332T, A434T.
Identifiers: ClinVar variation 943600 (VCV000943600.9), dbSNP rs1252296385, ClinGen allele CA355140387.